The following is an entry in ClinVar:

NM_001387025.1(GRAMD1B):c.1519G>A (p.Val507Ile)

Gene: GRAMD1B (GRAM domain containing 1B; plus strand). Cytogenetic location: 11q24.1.
Variant type: single nucleotide variant.
Coding change: c.1519G>A on transcript NM_001387025.1 (MANE Select); coding-DNA position 1519, G replaced by A.
Protein change: p.Val507Ile; replaces valine 507 with isoleucine.
Molecular consequence: missense variant.
Genome position (GRCh38, 1-based): chr11:123,608,664, G>A. VCF-style: chr11-123608664-G-A. GRCh37 (hg19) VCF-style: chr11-123479372-G-A.
Other names: c.1111G>A, p.Val371Ile (NM_001286563.3); c.970G>A, p.Val324Ile (NM_001286564.3, NM_001330396.3, NM_001387030.1 and 5 more transcripts); c.1171G>A, p.Val391Ile (NM_001367418.2, NM_001367419.2, NM_001367420.2); c.1387G>A, p.Val463Ile (NM_001367421.2); c.1519G>A, p.Val507Ile (NM_001387024.1); c.1516G>A, p.Val506Ile (NM_001387026.1); c.1090G>A, p.Val364Ile (NM_001387028.1, NM_001387029.1, NM_020716.4); short protein forms V324I, V364I, V371I, V391I, V463I, V506I, V507I.
Identifiers: ClinVar variation 3034312 (VCV003034312.2), dbSNP rs200540342, ClinGen allele CA6333642.

ClinVar aggregate classification (germline): Likely benign (0 of 4 stars; one submission).

Conditions:
GRAMD1B-related disorder. Also called: GRAMD1B-related condition.

Allele frequency attached by ClinVar (database versions not stated): ESP Exome Variant Server 0.00130; TOPMed 0.00156; gnomAD 0.00166; ExAC 0.00248; gnomAD exomes 0.00248.
gnomAD v4.1: 3,753 of 1,578,154 alleles (0.24%); highest among the groups gnomAD compares: Non-Finnish European, 0.3%; 6 homozygotes.

Submission:

PreventionGenetics, part of Exact Sciences
Classification: Likely benign for GRAMD1B-related condition. Last evaluated: 2022-08-11. Review status: no assertion criteria provided. Collection method: clinical testing. Allele origin: germline.
Comment: This variant is classified as likely benign based on ACMG/AMP sequence variant interpretation guidelines (Richards et al. 2015 PMID: 25741868, with internal and published modifications).